The following is an entry in ClinVar:

ClinVar aggregate classification (germline): Pathogenic (1 of 4 stars; one submission).

Submission:

GeneDx
Classification: Pathogenic. Last evaluated: 2026-03-31. Review status: criteria provided, single submitter. Criteria: GeneDx Variant Classification Process June 2021. Collection method: clinical testing. Allele origin: germline.
Comment: Frameshift variant predicted to result in protein truncation or nonsense mediated decay in a gene for which loss of function is a known mechanism of disease; Not observed at significant frequency in large population cohorts (gnomAD); This variant is associated with the following publications: (PMID: 23439489)

NM_000127.3(EXT1):c.369del (p.Glu125fs)

Gene: EXT1 (exostosin glycosyltransferase 1; minus strand). Cytogenetic location: 8q24.11.
Variant type: Deletion.
Coding change: c.369del on transcript NM_000127.3 (MANE Select); coding-DNA position 369, one base deleted (A; older notation c.369delA).
Protein change: p.Glu125fs; shifts the reading frame from glutamic acid 125.
Molecular consequence: frameshift variant.
Genome position (GRCh38, 1-based): chr8:118,110,678, T deleted on the plus strand (A on the coding strand, the reverse complement: EXT1 is on the minus strand); the first of 5 consecutive T bases (chr8:118,110,678-118,110,682); deleting any one gives the same sequence. VCF-style (leftmost placement, unchanged base first): chr8-118110677-CT-C. GRCh37 (hg19) VCF-style: chr8-119122916-CT-C.
Other names: c.365delA, p.Glu125Argfs (NM_000127.2); short protein forms E125fs.
Identifiers: ClinVar variation 5018436 (VCV005018436.1).